The following is an entry in ClinVar:

ClinVar aggregate classification (germline): Uncertain significance (1 of 4 stars; one submission).

Conditions:
DYRK1A-related intellectual disability syndrome (MRD7). Also called: DYRK1A Syndrome; Intellectual developmental disorder, autosomal dominant 7. Identifiers: Orphanet 464306, MedGen C5568143, MONDO:0013578, OMIM 614104.

Submission:

Victorian Clinical Genetics Services, Murdoch Childrens Research Institute
Classification: Uncertain significance for DYRK1A-related intellectual disability syndrome. Last evaluated: 2020-10-15. Review status: criteria provided, single submitter. Criteria: ACMG Guidelines, 2015. Collection method: clinical testing. Allele origin: germline. Inheritance: Autosomal dominant inheritance. Affected: yes.
Comment: Based on the classification scheme VCGS_Germline_v1.3.3, this variant is classified as VUS-3B. Following criteria are met: 0102 - Loss of function is a known mechanism of disease in this gene and is associated with DYRK1A-related intellectual disability (MIM#614104). (I) 0107 - This gene is associated with autosomal dominant disease. (I) 0200 - Variant is predicted to result in a missense amino acid change from alanine to serine. (I) 0251 - This variant is heterozygous. (I) 0301 - Variant is absent from gnomAD (both v2 and v3). (SP) 0309 - An alternative amino acid change at the same position has been observed in gnomAD (v3) (1 heterozygote, 0 homozygotes). (I) 0502 - Missense variant with conflicting in silico predictions and uninformative conservation. (I) 0604 - Variant is not located in an established domain, motif, hotspot or informative constraint region. (I) 0705 - No comparable missense variants have previous evidence for pathogenicity. (I) 0807 - This variant has no previous evidence of pathogenicity. (I) 0905 - No published segregation evidence has been identified for this variant. (I) 1007 - No published functional evidence has been identified for this variant. (I) 1208 - Inheritance information for this variant is not currently available in this individual. (I) Legend: (SP) - Supporting pathogenic, (I) - Information, (SB) - Supporting benign

NM_001347721.2(DYRK1A):c.1615G>T (p.Ala539Ser)

Gene: DYRK1A (dual specificity tyrosine phosphorylation regulated kinase 1A; plus strand). Cytogenetic location: 21q22.13.
Variant type: single nucleotide variant.
Coding change: c.1615G>T on transcript NM_001347721.2 (MANE Select); coding-DNA position 1615, G replaced by T.
Protein change: p.Ala539Ser; replaces alanine 539 with serine.
Molecular consequence: missense variant. On other transcripts: intron variant (1).
Genome position (GRCh38, 1-based): chr21:37,506,194, G>T. VCF-style: chr21-37506194-G-T. GRCh37 (hg19) VCF-style: chr21-38878497-G-T.
Other names: c.1615G>T, p.Ala539Ser (NM_001347722.2, NM_130436.2); c.1528G>T, p.Ala510Ser (NM_001347723.2); c.1642G>T, p.Ala548Ser (NM_001396.5, NM_101395.2); c.1546+605G>T (NM_130438.2); short protein forms A510S, A539S, A548S.
Identifiers: ClinVar variation 1805757 (VCV001805757.1), dbSNP rs2518077490, ClinGen allele CA409938984.